The following is an entry in ClinVar:

ClinVar aggregate classification (germline): Pathogenic/Likely pathogenic. Review status: criteria provided, multiple submitters, no conflicts (2 of 4 stars). 3 submissions from 3 submitters: Pathogenic (1); Likely pathogenic (1). 1 of the submissions does not count toward it. Last evaluated 2024-04-15.

Conditions:
Propionic acidemia (PROP). Also called: GLYCINEMIA, KETOTIC; HYPERGLYCINEMIA WITH KETOACIDOSIS AND LEUKOPENIA; KETOTIC HYPERGLYCINEMIA. Identifiers: Orphanet 35, MedGen C0268579, MONDO:0011628, OMIM 606054, HP:0003571.

Allele frequency attached by ClinVar (database versions not stated): gnomAD exomes below 0.00001; gnomAD 0.00001; TOPMed 0.00001; ESP Exome Variant Server 0.00008.
gnomAD v4.1: 6 of 1,505,868 alleles (0.0004%); highest among the groups gnomAD compares: African/African-American, 0.0027%; no homozygotes.

Submissions (3):

Natera, Inc.
Classification: Likely pathogenic for Propionic acidemia. Last evaluated: 2024-04-15. Review status: criteria provided, single submitter. Criteria: Natera Variant Classification Schema (03/2026). Collection method: clinical testing. Allele origin: germline.
Comment: The c.1540+1G>C variant in PCCA is a canonical splice donor site variant predicted to affect pre-mRNA splicing, which may result in an abnormal transcript and altered protein product. This variant is expected to result in nonsense mediated decay, truncation, or a dysfunctional protein product. This variant is rare in the general population with a frequency below the threshold expected for the associated phenotype(s). This variant has been observed in one or more individuals affected with the associated recessive disease, as either homozygous or compound heterozygous with a second variant (PMID: 30274917). Given the available evidence, this variant is classified as Likely Pathogenic.

Labcorp Genetics (formerly Invitae), Labcorp
Classification: Pathogenic for Propionic acidemia. Last evaluated: 2023-06-15. Review status: criteria provided, single submitter. Criteria: Invitae Variant Classification Sherloc (09022015). Collection method: clinical testing. Allele origin: germline.
Comment: ClinVar contains an entry for this variant (Variation ID: 554789). This sequence change affects a donor splice site in intron 17 of the PCCA gene. It is expected to disrupt RNA splicing. Variants that disrupt the donor or acceptor splice site typically lead to a loss of protein function (PMID: 16199547), and loss-of-function variants in PCCA are known to be pathogenic (PMID: 15464417). This variant is not present in population databases (gnomAD no frequency). Disruption of this splice site has been observed in individuals with propionic acidaemia (PMID: 10518292, 30274917). Algorithms developed to predict the effect of sequence changes on RNA splicing suggest that this variant may disrupt the consensus splice site. For these reasons, this variant has been classified as Pathogenic.

Counsyl
Classification: Likely pathogenic for Propionic acidemia. Last evaluated: 2017-11-03. Review status: no assertion criteria provided. Collection method: clinical testing. Allele origin: unknown. Not counted in ClinVar's aggregate classification.

Literature cited by the submitters: PubMed 30274917 (cited by Natera, Inc. and Labcorp Genetics (formerly Invitae), Labcorp); PubMed 16199547 (cited by Labcorp Genetics (formerly Invitae), Labcorp); PubMed 15464417 (cited by Labcorp Genetics (formerly Invitae), Labcorp); PubMed 10518292 (cited by Labcorp Genetics (formerly Invitae), Labcorp).

NM_000282.4(PCCA):c.1540+1G>C

Gene: PCCA (propionyl-CoA carboxylase subunit alpha; plus strand). Cytogenetic location: 13q32.3.
Variant type: single nucleotide variant.
Coding change: c.1540+1G>C on transcript NM_000282.4 (MANE Select); the canonical splice donor site of the intron after coding-DNA position 1540, G replaced by C.
Molecular consequence: splice donor variant.
Genome position (GRCh38, 1-based): chr13:100,330,672, G>C. VCF-style: chr13-100330672-G-C. GRCh37 (hg19) VCF-style: chr13-100982926-G-C.
Other names: c.1540+1G>C (NM_001178004.2, NM_001352605.2, NM_001352609.2); c.1396+1G>C (NM_001352606.2); c.595+1G>C (NM_001352610.2, NM_001352611.2); c.451+1G>C (NM_001352612.2); c.1462+1G>C (NM_001127692.3, NM_001352607.2); c.1318+1G>C (NM_001352608.2).
Identifiers: ClinVar variation 554789 (VCV000554789.10), dbSNP rs199604072, ClinGen allele CA7033693.